The following is an entry in ClinVar:

NM_006514.4(SCN10A):c.1878G>T (p.Glu626Asp)

Gene: SCN10A (sodium voltage-gated channel alpha subunit 10; minus strand). Cytogenetic location: 3p22.2.
Variant type: single nucleotide variant.
Coding change: c.1878G>T on transcript NM_006514.4 (MANE Select); coding-DNA position 1878, G replaced by T.
Protein change: p.Glu626Asp; replaces glutamic acid 626 with aspartic acid.
Molecular consequence: missense variant.
Genome position (GRCh38, 1-based): chr3:38,742,519, C>A on the plus strand (G>T on the coding strand, the complement: SCN10A is on the minus strand). VCF-style: chr3-38742519-C-A. GRCh37 (hg19) VCF-style: chr3-38784010-C-A.
Other names: c.1878G>T (NM_006514.2); c.1878G>T, p.Glu626Asp (NM_001293306.2); c.1584G>T, p.Glu528Asp (NM_001293307.2); short protein forms E528D, E626D.
Identifiers: ClinVar variation 1027339 (VCV001027339.6), dbSNP rs139209095, ClinGen allele CA2320702.
Genomic context (GRCh38, chr3:38,742,519, plus strand): 5'-ATCCCAGATCAGATACTTCTGAGACAAGCTGGTCAAGCAGGGTGGGCACTTCTGTTCAGA[C>A]TCCTCGAGTTCTGCATTATAGTGTGGTCAATGACAGCTGTCAGCCATGTGTCACCTTGGA-3'
Protein context (NP_006505.4, residues 616-636): IITSVLEELE[Glu626Asp]SEQKCPPCLT

ClinVar aggregate classification (germline): Uncertain significance. Review status: criteria provided, multiple submitters, no conflicts (2 of 4 stars). 2 submissions from 2 submitters: Uncertain significance (2). Last evaluated 2026-03-15.

Conditions:
Cardiovascular phenotype. Identifiers: MedGen CN230736.
Brugada syndrome. Also called: Sudden unexpected nocturnal death syndrome; Sudden Unexplained Death Syndrome; Sudden Unexplained Nocturnal Death Syndrome (SUNDS); Sudden unexplained nocturnal death syndrome. Identifiers: Orphanet 130, MedGen C1142166, MONDO:0015263.

Allele frequency attached by ClinVar (database versions not stated): gnomAD exomes 0.00001 and below 0.00001; ExAC 0.00001; TOPMed 0.00001; 1000 Genomes Project 0.00020; gnomAD 0.00001; 1000 Genomes Project 30x 0.00016.
gnomAD v4.1: 5 of 1,613,972 alleles (0.00031%); highest among the groups gnomAD compares: Admixed American, 0.0017%; no homozygotes.

Submissions (2):

Ambry Genetics
Classification: Uncertain significance for Cardiovascular phenotype. Last evaluated: 2026-03-15. Review status: criteria provided, single submitter. Criteria: Ambry Variant Classification Scheme 2023. Collection method: clinical testing. Allele origin: germline.
Comment: The p.E626D variant (also known as c.1878G>T), located in coding exon 13 of the SCN10A gene, results from a G to T substitution at nucleotide position 1878. The glutamic acid at codon 626 is replaced by aspartic acid, an amino acid with highly similar properties. This amino acid position is conserved. In addition, this alteration is predicted to be tolerated by in silico analysis. Based on the available evidence, the clinical significance of this variant remains unclear.

Labcorp Genetics (formerly Invitae), Labcorp
Classification: Uncertain significance for Brugada syndrome. Last evaluated: 2022-07-13. Review status: criteria provided, single submitter. Criteria: Invitae Variant Classification Sherloc (09022015). Collection method: clinical testing. Allele origin: germline.
Comment: In summary, the available evidence is currently insufficient to determine the role of this variant in disease. Therefore, it has been classified as a Variant of Uncertain Significance. Advanced modeling of protein sequence and biophysical properties (such as structural, functional, and spatial information, amino acid conservation, physicochemical variation, residue mobility, and thermodynamic stability) performed at Invitae indicates that this missense variant is not expected to disrupt SCN10A protein function. ClinVar contains an entry for this variant (Variation ID: 1027339). This variant has not been reported in the literature in individuals affected with SCN10A-related conditions. This variant is present in population databases (rs139209095, gnomAD 0.0009%). This sequence change replaces glutamic acid, which is acidic and polar, with aspartic acid, which is acidic and polar, at codon 626 of the SCN10A protein (p.Glu626Asp).